The following is an entry in ClinVar:

ClinVar aggregate classification (germline): Uncertain significance. Review status: criteria provided, multiple submitters, no conflicts (2 of 4 stars). 2 submissions from 2 submitters: Uncertain significance (2). Last evaluated 2026-02-10.

Conditions:
Cystic fibrosis (CF). Also called: MUCOVISCIDOSIS. Identifiers: Orphanet 586, MedGen C0010674, MONDO:0009061, OMIM 219700. Disease mechanism: loss of function.

Submissions (2):

Ambry Genetics
Classification: Uncertain significance for Cystic fibrosis. Last evaluated: 2026-02-10. Review status: criteria provided, single submitter. Criteria: Ambry Variant Classification Scheme 2023. Collection method: clinical testing. Allele origin: germline.
Comment: The p.G921V variant (also known as c.2762G>T), located in coding exon 17 of the CFTR gene, results from a G to T substitution at nucleotide position 2762. The glycine at codon 921 is replaced by valine, an amino acid with dissimilar properties. This amino acid position is not well conserved in available vertebrate species. In addition, the in silico prediction for this alteration is inconclusive. Based on the available evidence, the clinical significance of this variant remains unclear.

Mayo Clinic Laboratories, Mayo Clinic
Classification: Uncertain significance. Last evaluated: 2021-03-10. Review status: criteria provided, single submitter. Criteria: ACMG Guidelines, 2015. Collection method: clinical testing. Allele origin: germline. Observed: 1 variant allele.

NM_000492.4(CFTR):c.2762G>T (p.Gly921Val)

Gene: CFTR (CF transmembrane conductance regulator; plus strand). Cytogenetic location: 7q31.2.
Variant type: single nucleotide variant.
Coding change: c.2762G>T on transcript NM_000492.4 (MANE Select); coding-DNA position 2762, G replaced by T.
Protein change: p.Gly921Val; replaces glycine 921 with valine.
Molecular consequence: missense variant.
Genome position (GRCh38, 1-based): chr7:117,603,636, G>T. VCF-style: chr7-117603636-G-T. GRCh37 (hg19) VCF-style: chr7-117243690-G-T.
Other names: short protein forms G921V.
Identifiers: ClinVar variation 1163871 (VCV001163871.8), dbSNP rs193922508, ClinGen allele CA368986685.